The following is an entry in ClinVar:

ClinVar aggregate classification (germline): Benign/Likely benign. Review status: criteria provided, multiple submitters, no conflicts (2 of 4 stars). 3 submissions from 3 submitters: Benign (2); Likely benign (1). Last evaluated 2026-02-03.

Conditions:
Epilepsy. Also called: Seizure disorder. Identifiers: MedGen C0014544, MeSH D004827, MONDO:0005027.

Allele frequency attached by ClinVar (database versions not stated): gnomAD 0.00043 and 0.00066; TOPMed 0.00066; gnomAD exomes 0.00113; ExAC 0.00117; 1000 Genomes Project 0.00519; 1000 Genomes Project 30x 0.00593.
gnomAD v4.1: 556 of 1,601,774 alleles (0.035%); highest among the groups gnomAD compares: East Asian, 0.87%; 9 homozygotes.

Submissions (3):

Labcorp Genetics (formerly Invitae), Labcorp
Classification: Benign for Epilepsy. Last evaluated: 2026-02-03. Review status: criteria provided, single submitter. Criteria: Invitae Variant Classification Sherloc (09022015). Collection method: clinical testing. Allele origin: germline.

Blueprint Genetics
Classification: Likely benign. Last evaluated: 2024-11-01. Review status: criteria provided, single submitter. Criteria: ACMG Guidelines, 2015. Collection method: clinical testing. Allele origin: germline.

CeGaT Center for Human Genetics Tuebingen
Classification: Benign. Last evaluated: 2024-05-01. Review status: criteria provided, single submitter. Criteria: CeGaT Center For Human Genetics Tuebingen Variant Classification Criteria Version 2. Collection method: clinical testing. Allele origin: germline. Affected: yes. Observed: 1 variant allele.
Comment: PIGQ: BP4, BS1, BS2

NM_004204.5(PIGQ):c.620G>A (p.Arg207Gln)

Gene: PIGQ (phosphatidylinositol glycan anchor biosynthesis class Q; plus strand). Cytogenetic location: 16p13.3.
Variant type: single nucleotide variant.
Coding change: c.620G>A on transcript NM_004204.5 (MANE Select); coding-DNA position 620, G replaced by A.
Protein change: p.Arg207Gln; replaces arginine 207 with glutamine.
Molecular consequence: missense variant.
Genome position (GRCh38, 1-based): chr16:574,694, G>A. VCF-style: chr16-574694-G-A. GRCh37 (hg19) VCF-style: chr16-624694-G-A.
Other names: c.620G>A, p.Arg207Gln (NM_148920.4); short protein forms R207Q.
Identifiers: ClinVar variation 456051 (VCV000456051.31), dbSNP rs200353362, ClinGen allele CA7779925.
Genomic context (GRCh38, chr16:574,694, plus strand): 5'-GGCTGAGCCACTGGCAGTCGGAGGGCGTGGAGGCCAGCATCCTCGCGGAGCTGGCCAGGC[G>A]AGCCTCGGGACCCATTTGCCTGCTGTTGGCCAGCCTGCTGTCGCTGGTCTCAGCTGTCAG-3'
Protein context (NP_004195.2, residues 197-217): EASILAELAR[Arg207Gln]ASGPICLLLA